The following is an entry in ClinVar:

ClinVar aggregate classification (germline): Uncertain significance. Review status: criteria provided, multiple submitters, no conflicts (2 of 4 stars). 2 submissions from 2 submitters: Uncertain significance (2). Last evaluated 2020-05-21.

Conditions:
Aicardi-Goutieres syndrome 4. Identifiers: Orphanet 51, MedGen C1835912, MONDO:0012472, OMIM 610333.

Submissions (2):

Labcorp Genetics (formerly Invitae), Labcorp
Classification: Uncertain significance for Aicardi-Goutieres syndrome 4. Last evaluated: 2020-05-21. Review status: criteria provided, single submitter. Criteria: Invitae Variant Classification Sherloc (09022015). Collection method: clinical testing. Allele origin: germline.
Comment: In summary, the available evidence is currently insufficient to determine the role of this variant in disease. Therefore, it has been classified as a Variant of Uncertain Significance. Experimental studies and prediction algorithms are not available or were not evaluated, and the functional significance of this variant is currently unknown. This variant has not been reported in the literature in individuals with RNASEH2A-related conditions. This variant is not present in population databases (ExAC no frequency). This variant, c.181_189del, results in the deletion of 3 amino acid(s) of the RNASEH2A protein (p.Glu61_Leu63del), but otherwise preserves the integrity of the reading frame.

GeneDx
Classification: Uncertain significance. Last evaluated: 2019-10-02. Review status: criteria provided, single submitter. Criteria: GeneDx Variant Classification Process June 2021. Collection method: clinical testing. Allele origin: germline. Affected: yes.
Comment: Not observed in large population cohorts (Lek et al., 2016); In-frame deletion of 3 amino acids in a non-repeat region; In silico analysis, which includes protein predictors and evolutionary conservation, supports a deleterious effect; Has not been previously published as pathogenic or benign to our knowledge

NM_006397.3(RNASEH2A):c.181_189del (p.Glu61_Leu63del)

Gene: RNASEH2A (ribonuclease H2 subunit A; plus strand). Cytogenetic location: 19p13.13.
Variant type: Deletion.
Coding change: c.181_189del on transcript NM_006397.3 (MANE Select); coding-DNA positions 181 to 189, 9 bases deleted (GAGGCGCTG; older notation c.181_189delGAGGCGCTG).
Protein change: p.Glu61_Leu63del.
Molecular consequence: inframe deletion.
Genome position (GRCh38, 1-based): chr19:12,807,061-12,807,069, GAGGCGCTG deleted; deleting any 9 consecutive bases within chr19:12,807,058-12,807,069 gives the same sequence; the c. name uses the placement nearest the transcript's 3' end. VCF-style (leftmost placement, unchanged base first): chr19-12807057-TCTGGAGGCG-T. GRCh37 (hg19) VCF-style: chr19-12917871-TCTGGAGGCG-T.
Identifiers: ClinVar variation 1024242 (VCV001024242.11), dbSNP rs1969003682, ClinGen allele CA2323580813.